The following is an entry in ClinVar:

ClinVar aggregate classification (germline): Uncertain significance (1 of 4 stars; one submission).

Conditions:
Inborn genetic diseases. Identifiers: MedGen C0950123, MeSH D030342.

Submission:

Ambry Genetics
Classification: Uncertain significance for Inborn genetic diseases. Last evaluated: 2025-01-17. Review status: criteria provided, single submitter. Criteria: Ambry Variant Classification Scheme 2023. Collection method: clinical testing. Allele origin: germline.
Comment: The p.L1069P variant (also known as c.3206T>C), located in coding exon 32 of the FANCA gene, results from a T to C substitution at nucleotide position 3206. The leucine at codon 1069 is replaced by proline, an amino acid with similar properties. This amino acid position is conserved. In addition, this alteration is predicted to be deleterious by in silico analysis. Based on the available evidence, the clinical significance of this variant remains unclear.

NM_000135.4(FANCA):c.3206T>C (p.Leu1069Pro)

Gene: FANCA (FA complementation group A; minus strand). Cytogenetic location: 16q24.3.
Variant type: single nucleotide variant.
Coding change: c.3206T>C on transcript NM_000135.4 (MANE Select); coding-DNA position 3206, T replaced by C.
Protein change: p.Leu1069Pro; replaces leucine 1069 with proline.
Molecular consequence: missense variant.
Genome position (GRCh38, 1-based): chr16:89,749,763, A>G on the plus strand (T>C on the coding strand, the complement: FANCA is on the minus strand). VCF-style: chr16-89749763-A-G. GRCh37 (hg19) VCF-style: chr16-89816171-A-G.
Other names: c.3206T>C, p.Leu1069Pro (NM_001286167.3); short protein forms L1069P.
Identifiers: ClinVar variation 3848120 (VCV003848120.1).